The following is an entry in ClinVar:

NM_006277.3(ITSN2):c.3925C>T (p.Leu1309Phe)

Gene: ITSN2 (intersectin 2; minus strand). Cytogenetic location: 2p23.3.
Variant type: single nucleotide variant.
Coding change: c.3925C>T on transcript NM_006277.3 (MANE Select); coding-DNA position 3925, C replaced by T.
Protein change: p.Leu1309Phe; replaces leucine 1309 with phenylalanine.
Molecular consequence: missense variant.
Genome position (GRCh38, 1-based): chr2:24,216,114, G>A on the plus strand (C>T on the coding strand, the complement: ITSN2 is on the minus strand). VCF-style: chr2-24216114-G-A. GRCh37 (hg19) VCF-style: chr2-24438983-G-A.
Other names: c.3883C>T, p.Leu1295Phe (NM_001348181.2); c.3805C>T, p.Leu1269Phe (NM_001348182.2); c.3844C>T, p.Leu1282Phe (NM_019595.4); short protein forms L1269F, L1282F, L1295F, L1309F.
Identifiers: ClinVar variation 2629584 (VCV002629584.1), dbSNP rs1397785004, ClinGen allele CA346036377.

ClinVar aggregate classification (germline): Uncertain significance (1 of 4 stars; one submission).

Conditions:
ITSN2-related disorder. Also called: ITSN2-related condition.

Allele frequency attached by ClinVar (database versions not stated): gnomAD exomes below 0.00001.
gnomAD v4.1: 2 of 1,613,172 alleles (0.00012%); highest among the groups gnomAD compares: Admixed American, 0.0033%; no homozygotes.

Submission:

PreventionGenetics, part of Exact Sciences
Classification: Uncertain significance for ITSN2-related condition. Last evaluated: 2022-12-20. Review status: criteria provided, single submitter. Criteria: ACMG Guidelines, 2015. Collection method: clinical testing. Allele origin: germline.
Comment: The ITSN2 c.3925C>T variant is predicted to result in the amino acid substitution p.Leu1309Phe. To our knowledge, this variant has not been reported in the literature. This variant is reported in 0.0058% of alleles in individuals of Latino descent in gnomAD. At this time, the clinical significance of this variant is uncertain due to the absence of conclusive functional and genetic evidence.